The following is an entry in ClinVar:

Single allele

Genes: AGAP10 (ArfGAP with GTPase domain, ankyrin repeat and PH domain 10), ANXA8L1 (annexin A8 like 1; plus strand), NPY4R (neuropeptide Y receptor Y4; minus strand). Cytogenetic location: 10q11.22.
Variant type: Duplication.
Identifiers: ClinVar variation 157161 (VCV000157161.2).

ClinVar aggregate classification (germline): not provided. Review status: no classification provided (0 of 4 stars). 2 submissions from 1 submitter: not provided (2).

Conditions:
Normal pregnancy. Identifiers: MedGen C0232989.
Preeclampsia. Identifiers: Orphanet 275555, MedGen C0032914, MONDO:0005081, HP:0100602.

Submissions (2):

Institute of Molecular and Cell Biology, University of Tartu
No classification provided. Condition: Preeclampsia. Review status: no classification provided. Collection method: case-control. Allele origin: unknown. Affected: yes. Study: Kasak2014.
Comment: The study aimed to determine the contribution of copy number variants in the genetic etiology of normal and complicated pregnancies. The samples represented (i) maternal blood DNA drawn from healthy pregnant women during 1st or 2nd trimester and (ii) maternal and paternal blood DNA drawn at term pregnancy cases representing normal and complicated gestations (severe preeclampsia, PE; gestational diabetes, GD; small-for-gestational age newborn, SGA; large-for-gestational age newborn, LGA). We performed CNV calling based on genome-wide genotyping dataset (Illumina HumanOmniExpress-24-v1 BeadChip) by applying three algorithms, QuantiSNP, GADA (Genome Alteration Detection Algorithm) and CNstream in parallel. The acquired CNV calls were merged with HD-CNV (Hotspot Detector for Copy Number Variants) program and only the CNVs predicted by at least two programs, were considered in subsequent analysis.

Institute of Molecular and Cell Biology, University of Tartu
No classification provided. Condition: Normal pregnancy. Review status: no classification provided. Collection method: case-control. Allele origin: unknown. Affected: yes. Study: Kasak2014.
Comment: the same text as in the submission from Institute of Molecular and Cell Biology, University of Tartu above.

Literature cited by the submitters: PubMed 25666259.